The following is an entry in ClinVar:

ClinVar aggregate classification (germline): Uncertain significance (1 of 4 stars; one submission).

Conditions:
Cardiovascular phenotype. Identifiers: MedGen CN230736.

Submission:

Ambry Genetics
Classification: Uncertain significance for Cardiovascular phenotype. Last evaluated: 2025-03-25. Review status: criteria provided, single submitter. Criteria: Ambry Variant Classification Scheme 2023. Collection method: clinical testing. Allele origin: germline.
Comment: The p.L2693F variant (also known as c.8077C>T), located in coding exon 26 of the APOB gene, results from a C to T substitution at nucleotide position 8077. The leucine at codon 2693 is replaced by phenylalanine, an amino acid with highly similar properties. This amino acid position is conserved. In addition, this alteration is predicted to be tolerated by in silico analysis. Based on the available evidence, the clinical significance of this variant remains unclear.

NM_000384.3(APOB):c.8077C>T (p.Leu2693Phe)

Gene: APOB (apolipoprotein B; minus strand). Cytogenetic location: 2p24.1.
Variant type: single nucleotide variant.
Coding change: c.8077C>T on transcript NM_000384.3 (MANE Select); coding-DNA position 8077, C replaced by T.
Protein change: p.Leu2693Phe; replaces leucine 2693 with phenylalanine.
Molecular consequence: missense variant.
Genome position (GRCh38, 1-based): chr2:21,008,791, G>A on the plus strand (C>T on the coding strand, the complement: APOB is on the minus strand). VCF-style: chr2-21008791-G-A. GRCh37 (hg19) VCF-style: chr2-21231663-G-A.
Other names: short protein forms L2693F.
Identifiers: ClinVar variation 3932568 (VCV003932568.1).
Genomic context (GRCh38, chr2:21,008,791, plus strand): 5'-AACGGAAGTCTGGCAGGGTGATTCTCGCTAGAGGAATGTCCTCCACCTTCAGATCCCTGA[G>A]ATATATATCTGGAACGGGCCACTGCAGCTCACTGTTCAGCATCTGGTCAATGGTTCTGAT-3'
Protein context (NP_000375.3, residues 2683-2703): ELQWPVPDIY[Leu2693Phe]RDLKVEDIPL